The following is an entry in ClinVar:

NM_006218.4(PIK3CA):c.1345_1356del (p.Pro449_Leu452del)

Gene: PIK3CA (phosphatidylinositol-4,5-bisphosphate 3-kinase catalytic subunit alpha; plus strand). Cytogenetic location: 3q26.32.
Variant type: Deletion.
Coding change: c.1345_1356del on transcript NM_006218.4 (MANE Select); coding-DNA positions 1345 to 1356, 12 bases deleted (CCTCATGGATTA).
Protein change: p.Pro449_Leu452del.
Molecular consequence: inframe deletion.
Genome position (GRCh38, 1-based): chr3:179,210,279-179,210,290, CCTCATGGATTA deleted; deleting any 12 consecutive bases within chr3:179,210,277-179,210,290 gives the same sequence; the c. name uses the placement nearest the transcript's 3' end. VCF-style (leftmost placement, unchanged base first): chr3-179210276-GTACCTCATGGAT-G. GRCh37 (hg19) VCF-style: chr3-178928064-GTACCTCATGGAT-G.
Other names: c.1345_1356del (NM_006218.3).
Identifiers: ClinVar variation 3340439 (VCV003340439.1).
Genomic context (GRCh38, chr3:179,210,276, plus strand): 5'-AACTTGTTTGATTACACAGACACTCTAGTATCTGGAAAAATGGCTTTGAATCTTTGGCCA[GTACCTCATGGAT>G]TAGAAGATTTGCTGAACCCTATTGGTGTTACTGGATCAAATCCAAATAAAGTAAGGTTTT-3'

ClinVar aggregate classification (germline): Likely pathogenic (1 of 4 stars; one submission).

Conditions:
PIK3CA related overgrowth syndrome. Also called: PIK3CA-Related Segmental Overgrowth; PIK3CA related overgrowth spectrum. Identifiers: Orphanet 530313, MedGen C4728213, MONDO:1040002.

Submission:

Seattle Children's Hospital Molecular Genetics Laboratory, Seattle Children's Hospital
Classification: Likely pathogenic for PIK3CA-related overgrowth syndrome. Review status: criteria provided, single submitter. Criteria: ACMG Guidelines, 2015. Collection method: clinical testing. Allele origin: somatic. Affected: yes.
Comment: To our knowledge, this variant has not previously been reported in the medical literature, public databases and large population studies. The deletion of 12 base pairs is predicted to cause a deletion of 4 amino acids (p.Pro449_Leu452del) but otherwise maintain the reading frame. This variant is located within the C2 domain (UniProt#P42336, 325-484 amino acids) of PIK3CA which is a critical functional domain. In vitro functional studies have suggested that the deletion in the C2 domain of PIK3CA result in the disruption pf p85α binding, increased the catalytic activity of p110α and subsequently hyperactivate the PI3K-AKT-mTOR pathway and induce cell transformation (PMID: 29284706). Another in-frame deletion p.Pro447_Leu455del at this region has been reported in individuals with PIK3CA-related overgrowth syndrome (PROS) (PMID: 31627436, PMID: 37264205).